The following is an entry in ClinVar:

NM_001384125.1(BLTP1):c.11566A>G (p.Thr3856Ala)

Gene: BLTP1 (bridge-like lipid transfer protein family member 1; plus strand). Cytogenetic location: 4q27.
Variant type: single nucleotide variant.
Coding change: c.11566A>G on transcript NM_001384125.1 (MANE Select); coding-DNA position 11566, A replaced by G.
Protein change: p.Thr3856Ala; replaces threonine 3856 with alanine.
Molecular consequence: missense variant.
Genome position (GRCh38, 1-based): chr4:122,331,378, A>G. VCF-style: chr4-122331378-A-G. GRCh37 (hg19) VCF-style: chr4-123252533-A-G.
Other names: c.11302A>G, p.Thr3768Ala (NM_015312.4); short protein forms T3768A, T3856A.
Identifiers: ClinVar variation 2589437 (VCV002589437.3), dbSNP rs938220307, ClinGen allele CA104781219.
Genomic context (GRCh38, chr4:122,331,378, plus strand): 5'-TTCTGTAGACATACGTCTCGTAAAAAAGCAACAGGCTTTGCTGCTGTTCATCAGCTATTT[A>G]CAGAACGCTGGCCAACAACACCAGTCAATAGAAGTCTTAGTGGCACAGCTACAGAGAGAA-3'
Protein context (NP_001371054.1, residues 3846-3866): TGFAAVHQLF[Thr3856Ala]ERWPTTPVNR

ClinVar aggregate classification (germline): Uncertain significance (1 of 4 stars; one submission).

Allele frequency attached by ClinVar (database versions not stated): gnomAD 0.00005; gnomAD exomes 0.00001; TOPMed 0.00004.
gnomAD v4.1: 24 of 1,611,900 alleles (0.0015%); highest among the groups gnomAD compares: Admixed American, 0.037%; no homozygotes.

Submission:

Ambry Genetics
Classification: Uncertain significance. Last evaluated: 2025-10-28. Review status: criteria provided, single submitter. Criteria: Ambry Variant Classification Scheme 2023. Collection method: clinical testing. Allele origin: germline.
Comment: The c.11302A>G (p.T3768A) alteration is located in exon 65 (coding exon 65) of the KIAA1109 gene. This alteration results from a A to G substitution at nucleotide position 11302, causing the threonine (T) at amino acid position 3768 to be replaced by an alanine (A). Based on data from gnomAD, the G allele has an overall frequency of 0.002% (4/247792) total alleles studied. The highest observed frequency was 0.012% (4/34284) of Latino alleles. Based on insufficient or conflicting evidence, the clinical significance of this alteration remains unclear.